The following is an entry in ClinVar:

ClinVar aggregate classification (germline): Uncertain significance (1 of 4 stars; one submission).

gnomAD v4.1: 1 of 1,612,424 alleles (0.000062%); highest among the groups gnomAD compares: Non-Finnish European, 0.000085%; no homozygotes.

Submission:

Ambry Genetics
Classification: Uncertain significance. Last evaluated: 2025-09-14. Review status: criteria provided, single submitter. Criteria: Ambry Variant Classification Scheme 2023. Collection method: clinical testing. Allele origin: germline.
Comment: The p.F1361L variant (also known as c.4083T>A), located in coding exon 19 of the WNK2 gene, results from a T to A substitution at nucleotide position 4083. The phenylalanine at codon 1361 is replaced by leucine, an amino acid with highly similar properties. This amino acid position is conserved. In addition, this alteration is predicted to be tolerated by in silico analysis. Based on the available evidence, the clinical significance of this variant remains unclear.

NM_006648.4(WNK2):c.4083T>A (p.Phe1361Leu)

Gene: WNK2 (WNK lysine deficient protein kinase 2; plus strand). Cytogenetic location: 9q22.31.
Variant type: single nucleotide variant.
Coding change: c.4083T>A on transcript NM_006648.4 (MANE Select); coding-DNA position 4083, T replaced by A.
Protein change: p.Phe1361Leu; replaces phenylalanine 1361 with leucine.
Molecular consequence: missense variant.
Genome position (GRCh38, 1-based): chr9:93,288,837, T>A. VCF-style: chr9-93288837-T-A. GRCh37 (hg19) VCF-style: chr9-96051119-T-A.
Other names: c.4194T>A, p.Phe1398Leu (NM_001282394.3); short protein forms F1398L, F1361L.
Identifiers: ClinVar variation 4201911 (VCV004201911.1).